The following is an entry in ClinVar:

NM_016599.5(MYOZ2):c.290T>C (p.Leu97Ser)

Gene: MYOZ2 (myozenin 2; plus strand). Cytogenetic location: 4q26.
Variant type: single nucleotide variant.
Coding change: c.290T>C on transcript NM_016599.5 (MANE Select); coding-DNA position 290, T replaced by C.
Protein change: p.Leu97Ser; replaces leucine 97 with serine.
Molecular consequence: missense variant.
Genome position (GRCh38, 1-based): chr4:119,158,065, T>C. VCF-style: chr4-119158065-T-C. GRCh37 (hg19) VCF-style: chr4-120079220-T-C.
Other names: short protein forms L97S.
Identifiers: ClinVar variation 3697717 (VCV003697717.2).

ClinVar aggregate classification (germline): Uncertain significance (1 of 4 stars; one submission).

Conditions:
Hypertrophic cardiomyopathy. Also called: HYPERTROPHIC MYOCARDIOPATHY. Identifiers: Orphanet 217569, MedGen C0007194, MeSH D002312, MONDO:0005045, HP:0001639.

gnomAD v4.1: 1 of 1,613,988 alleles (0.000062%); highest among the groups gnomAD compares: East Asian, 0.0022%; no homozygotes.

Submission:

Labcorp Genetics (formerly Invitae), Labcorp
Classification: Uncertain significance for Hypertrophic cardiomyopathy. Last evaluated: 2024-11-30. Review status: criteria provided, single submitter. Criteria: Invitae Variant Classification Sherloc (09022015). Collection method: clinical testing. Allele origin: germline.
Comment: This sequence change replaces leucine, which is neutral and non-polar, with serine, which is neutral and polar, at codon 97 of the MYOZ2 protein (p.Leu97Ser). This variant is not present in population databases (gnomAD no frequency). This variant has not been reported in the literature in individuals affected with MYOZ2-related conditions. Invitae Evidence Modeling of protein sequence and biophysical properties (such as structural, functional, and spatial information, amino acid conservation, physicochemical variation, residue mobility, and thermodynamic stability) indicates that this missense variant is not expected to disrupt MYOZ2 protein function with a negative predictive value of 80%. In summary, the available evidence is currently insufficient to determine the role of this variant in disease. Therefore, it has been classified as a Variant of Uncertain Significance.